The following is an entry in ClinVar:

ClinVar aggregate classification (germline): Uncertain significance (1 of 4 stars; one submission).

Allele frequency attached by ClinVar (database versions not stated): gnomAD exomes below 0.00001; ExAC 0.00001.
gnomAD v4.1: 1 of 1,614,038 alleles (0.000062%); highest among the groups gnomAD compares: Admixed American, 0.0017%; no homozygotes.

Submission:

Labcorp Genetics (formerly Invitae), Labcorp
Classification: Uncertain significance. Last evaluated: 2022-06-23. Review status: criteria provided, single submitter. Criteria: Invitae Variant Classification Sherloc (09022015). Collection method: clinical testing. Allele origin: germline.
Comment: In summary, the available evidence is currently insufficient to determine the role of this variant in disease. Therefore, it has been classified as a Variant of Uncertain Significance. Algorithms developed to predict the effect of sequence changes on RNA splicing suggest that this variant may disrupt the consensus splice site. This variant has not been reported in the literature in individuals affected with GRIP1-related conditions. This variant is present in population databases (rs764056047, gnomAD 0.003%). This sequence change affects codon 334 of the GRIP1 mRNA. It is a 'silent' change, meaning that it does not change the encoded amino acid sequence of the GRIP1 protein.

NM_001366722.1(GRIP1):c.1002C>G (p.Pro334=)

Gene: GRIP1 (glutamate receptor interacting protein 1; minus strand). Cytogenetic location: 12q14.3.
Variant type: single nucleotide variant.
Coding change: c.1002C>G on transcript NM_001366722.1 (MANE Select); coding-DNA position 1002, C replaced by G.
Protein change: p.Pro334=; no amino-acid change (proline 334 retained).
Molecular consequence: synonymous variant.
Genome position (GRCh38, 1-based): chr12:66,462,964, G>C on the plus strand (C>G on the coding strand, the complement: GRIP1 is on the minus strand). VCF-style: chr12-66462964-G-C. GRCh37 (hg19) VCF-style: chr12-66856744-G-C.
Other names: c.1002C>G, p.Pro334= (NM_001178074.2, NM_001379346.1, NM_021150.4); c.1080C>G, p.Pro360= (NM_001366723.1, NM_001366724.1, NM_001379345.1 and 2 more transcripts); c.1005C>G, p.Pro335= (NM_001379349.1, NM_001379351.1).
Identifiers: ClinVar variation 2106372 (VCV002106372.4), dbSNP rs764056047, ClinGen allele CA6674482.